The following is an entry in ClinVar:

NM_021098.3(CACNA1H):c.3363+3A>G

Gene: CACNA1H (calcium voltage-gated channel subunit alpha1 H; plus strand). Cytogenetic location: 16p13.3.
Variant type: single nucleotide variant.
Coding change: c.3363+3A>G on transcript NM_021098.3 (MANE Select); 3 bases into the intron after coding-DNA position 3363, A replaced by G.
Molecular consequence: intron variant.
Genome position (GRCh38, 1-based): chr16:1,208,224, A>G. VCF-style: chr16-1208224-A-G. GRCh37 (hg19) VCF-style: chr16-1258224-A-G.
Other names: c.3363+3A>G (NM_001005407.2).
Identifiers: ClinVar variation 2953669 (VCV002953669.3), dbSNP rs2548686100, ClinGen allele CA2630927138.

ClinVar aggregate classification (germline): Uncertain significance (1 of 4 stars; one submission).

Conditions:
Idiopathic generalized epilepsy. Also called: EIG; Generalised epilepsy. Identifiers: MedGen C0270850, MONDO:0005579, OMIM 600669.
Hyperaldosteronism, familial, type IV (HALD4). Also called: FH IV; ALDOSTERONISM, PRIMARY, AND HYPERTENSION. Identifiers: Orphanet 642671, MedGen C4310756, MONDO:0014875, OMIM 617027.

Allele frequency attached by ClinVar (database versions not stated): gnomAD exomes below 0.00001.
gnomAD v4.1: 2 of 1,552,786 alleles (0.00013%); highest among the groups gnomAD compares: Non-Finnish European, 0.00017%; no homozygotes.

Submission:

Labcorp Genetics (formerly Invitae), Labcorp
Classification: Uncertain significance for Idiopathic generalized epilepsy; Hyperaldosteronism, familial, type IV. Last evaluated: 2023-04-10. Review status: criteria provided, single submitter. Criteria: Invitae Variant Classification Sherloc (09022015). Collection method: clinical testing. Allele origin: germline.
Comment: This variant is not present in population databases (gnomAD no frequency). This sequence change falls in intron 16 of the CACNA1H gene. It does not directly change the encoded amino acid sequence of the CACNA1H protein. It affects a nucleotide within the consensus splice site. This variant has not been reported in the literature in individuals affected with CACNA1H-related conditions. In summary, the available evidence is currently insufficient to determine the role of this variant in disease. Therefore, it has been classified as a Variant of Uncertain Significance. Variants that disrupt the consensus splice site are a relatively common cause of aberrant splicing (PMID: 17576681, 9536098). Algorithms developed to predict the effect of sequence changes on RNA splicing suggest that this variant may disrupt the consensus splice site.

Literature cited by the submitters: PubMed 17576681; PubMed 9536098.